The following is an entry in ClinVar:

Single allele

Genes: MBP-AS1 (MBP antisense RNA 1; plus strand), MIR5011 (microRNA 5011; plus strand), MIR548AV (microRNA 548av; minus strand), SERPINB3 (serpin family B member 3; minus strand), SERPINB4 (serpin family B member 4; minus strand) and 429 more. Cytogenetic location: 18q21.33-23.
Variant type: Deletion.
Identifiers: ClinVar variation 1703234 (VCV001703234.1).

ClinVar aggregate classification (germline): Pathogenic (1 of 4 stars; one submission).

Conditions:
Deletion of long arm of chromosome 18. Also called: CHROMOSOME 18q DELETION SYNDROME; Chromosome 18 deletion syndrome; 18q syndrome; Chromosome 18q syndrome; Chromosome 18, monosomy 18Q; Monosomy 18q syndrome. Identifiers: Orphanet 1600, MedGen C0432443, MONDO:0011147, OMIM 601808.

Submission:

Broad Center for Mendelian Genomics, Broad Institute of MIT and Harvard
Classification: Pathogenic for Deletion of long arm of chromosome 18. Last evaluated: 2022-08-25. Review status: criteria provided, single submitter. Criteria: ACMG/ClinGen CNV Guidelines, 2019. Collection method: curation. Allele origin: germline. Inheritance: Sporadic. Affected: yes.
Comment: Data from large population studies is insufficient to assess the frequency of this variant. At least three probands from the literature (Yu et al. 2022, PMID: 21977138, PMID: 34616427) have a copy-number loss in 18q22.2q23 similar in genomic content to the variant in our study. Of these probands, two have deletions that are confirmed de novo, and the reported phenotypes are nonspecific (mild intellectual disability, developmental delay, motor delay, lack of expressive and receptive language). In summary, this variant meets criteria to be classified as pathogenic for autosomal dominant Chromosome 18 Deletion Syndrome. The ACMG/ClinGen evidence codes and points used in this curation are as follows: 1A: 0 points, 2B: 0 points, 3C: 0.90 points, 4C: 0.40 points, 5A: 0.15 points; Total: 1.45 points; Riggs 2020 (PMID: 31690835).